The following is an entry in ClinVar:

ClinVar aggregate classification (germline): Uncertain significance (1 of 4 stars; one submission).

Conditions:
Congenital muscular dystrophy due to integrin alpha-7 deficiency. Also called: MYOPATHY, CONGENITAL, DUE TO INTEGRIN ALPHA-7 DEFICIENCY; Congenital muscular dystrophy with integrin alpha-7 deficiency; Muscular dystrophy, congenital, due to ITGA7 deficiency. Identifiers: Orphanet 34520, MedGen C2750786, MONDO:0013177, OMIM 613204.

Allele frequency attached by ClinVar (database versions not stated): ExAC 0.00001; gnomAD exomes 0.00001; TOPMed 0.00001; gnomAD 0.00002.
gnomAD v4.1: 23 of 1,614,012 alleles (0.0014%); highest among the groups gnomAD compares: Non-Finnish European, 0.0019%; no homozygotes.

Submission:

Labcorp Genetics (formerly Invitae), Labcorp
Classification: Uncertain significance for Congenital muscular dystrophy due to integrin alpha-7 deficiency. Last evaluated: 2020-04-07. Review status: criteria provided, single submitter. Criteria: Invitae Variant Classification Sherloc (09022015). Collection method: clinical testing. Allele origin: germline.
Comment: In summary, the available evidence is currently insufficient to determine the role of this variant in disease. Therefore, it has been classified as a Variant of Uncertain Significance. Algorithms developed to predict the effect of missense changes on protein structure and function are either unavailable or do not agree on the potential impact of this missense change (SIFT: "Deleterious"; PolyPhen-2: "Possibly Damaging"; Align-GVGD: "Class C0"). This variant has not been reported in the literature in individuals with ITGA7-related conditions. This variant is present in population databases (rs754388088, ExAC 0.001%). This sequence change replaces tyrosine with aspartic acid at codon 454 of the ITGA7 protein (p.Tyr454Asp). The tyrosine residue is highly conserved and there is a large physicochemical difference between tyrosine and aspartic acid.

NM_002206.3(ITGA7):c.1360T>G (p.Tyr454Asp)

Gene: ITGA7 (integrin subunit alpha 7; minus strand). Cytogenetic location: 12q13.2.
Variant type: single nucleotide variant.
Coding change: c.1360T>G on transcript NM_002206.3 (MANE Select); coding-DNA position 1360, T replaced by G.
Protein change: p.Tyr454Asp; replaces tyrosine 454 with aspartic acid.
Molecular consequence: missense variant.
Genome position (GRCh38, 1-based): chr12:55,697,744, A>C on the plus strand (T>G on the coding strand, the complement: ITGA7 is on the minus strand). VCF-style: chr12-55697744-A-C. GRCh37 (hg19) VCF-style: chr12-56091528-A-C.
Other names: c.1372T>G, p.Tyr458Asp (NM_001144996.2, NM_001414029.1); c.1081T>G, p.Tyr361Asp (NM_001144997.2); c.1033T>G, p.Tyr345Asp (NM_001367993.1); c.16T>G, p.Tyr6Asp (NM_001367994.1); c.1360T>G, p.Tyr454Asp (NM_001374465.1, NM_001414034.1); c.1492T>G, p.Tyr498Asp (NM_001410977.1); c.1285T>G, p.Tyr429Asp (NM_001414030.1); c.1273T>G, p.Tyr425Asp (NM_001414031.1); and 3 more; short protein forms Y345D, Y361D, Y454D, Y458D, Y6D, Y498D, Y341D, Y393D.
Identifiers: ClinVar variation 1001218 (VCV001001218.6), dbSNP rs754388088, ClinGen allele CA6615987.